The following is an entry in ClinVar:

NM_001379081.2(FREM1):c.245G>T (p.Cys82Phe)

Gene: FREM1 (FRAS1 related extracellular matrix 1; minus strand). Cytogenetic location: 9p22.3.
Variant type: single nucleotide variant.
Coding change: c.245G>T on transcript NM_001379081.2 (MANE Select); coding-DNA position 245, G replaced by T.
Protein change: p.Cys82Phe; replaces cysteine 82 with phenylalanine.
Molecular consequence: missense variant. On other transcripts: non-coding transcript variant (4).
Genome position (GRCh38, 1-based): chr9:14,863,893, C>A on the plus strand (G>T on the coding strand, the complement: FREM1 is on the minus strand). VCF-style: chr9-14863893-C-A. GRCh37 (hg19) VCF-style: chr9-14863891-C-A.
Other names: c.245G>T, p.Cys82Phe (NM_001370065.1, NM_144966.7, NM_001370060.1 and 1 more transcripts); short protein forms C82F.
Identifiers: ClinVar variation 2013053 (VCV002013053.4), dbSNP rs2539055498, ClinGen allele CA372964777.

ClinVar aggregate classification (germline): Uncertain significance (1 of 4 stars; one submission).

Submission:

Labcorp Genetics (formerly Invitae), Labcorp
Classification: Uncertain significance. Last evaluated: 2022-07-01. Review status: criteria provided, single submitter. Criteria: Invitae Variant Classification Sherloc (09022015). Collection method: clinical testing. Allele origin: germline.
Comment: This sequence change replaces cysteine, which is neutral and slightly polar, with phenylalanine, which is neutral and non-polar, at codon 82 of the FREM1 protein (p.Cys82Phe). This variant is not present in population databases (gnomAD no frequency). This variant has not been reported in the literature in individuals affected with FREM1-related conditions. Algorithms developed to predict the effect of missense changes on protein structure and function are either unavailable or do not agree on the potential impact of this missense change (SIFT: "Deleterious"; PolyPhen-2: "Probably Damaging"; Align-GVGD: "Class C0"). In summary, the available evidence is currently insufficient to determine the role of this variant in disease. Therefore, it has been classified as a Variant of Uncertain Significance.